The following is an entry in ClinVar:

NM_000081.4(LYST):c.3646G>A (p.Val1216Ile)

Gene: LYST (lysosomal trafficking regulator; minus strand). Cytogenetic location: 1q42.3.
Variant type: single nucleotide variant.
Coding change: c.3646G>A on transcript NM_000081.4 (MANE Select); coding-DNA position 3646, G replaced by A.
Protein change: p.Val1216Ile; replaces valine 1216 with isoleucine.
Molecular consequence: missense variant.
Genome position (GRCh38, 1-based): chr1:235,802,974, C>T on the plus strand (G>A on the coding strand, the complement: LYST is on the minus strand). VCF-style: chr1-235802974-C-T. GRCh37 (hg19) VCF-style: chr1-235966274-C-T.
Other names: c.3646G>A, p.Val1216Ile (NM_001301365.1); short protein forms V1216I.
Identifiers: ClinVar variation 1008143 (VCV001008143.7), dbSNP rs1238737369, ClinGen allele CA344946747.
Genomic context (GRCh38, chr1:235,802,974, plus strand): 5'-CCTGGGTTTCGCCATCTTCAGGATTGCTTTCACTATCTGCTTCGTAACCTTCTTCTTCAA[C>T]TAAAAGTTTAAAACTACAACACTGAGAATCCTCAGCTTCTTCTGAAAAATCACCAGGCTG-3'
Protein context (NP_000072.2, residues 1206-1226): DSQCCSFKLL[Val1216Ile]EEEGYEADSE

ClinVar aggregate classification (germline): Uncertain significance (1 of 4 stars; one submission).

Conditions:
Chédiak-Higashi syndrome (CHS). Also called: Chediak-Higashi Syndrome. Identifiers: Orphanet 167, MedGen C0007965, MONDO:0008963, OMIM 214500.

Allele frequency attached by ClinVar (database versions not stated): gnomAD exomes 0.00001; TOPMed 0.00001.
gnomAD v4.1: 4 of 1,613,582 alleles (0.00025%); highest among the groups gnomAD compares: Non-Finnish European, 0.00034%; no homozygotes.

Submission:

Labcorp Genetics (formerly Invitae), Labcorp
Classification: Uncertain significance for Chédiak-Higashi syndrome. Last evaluated: 2022-08-16. Review status: criteria provided, single submitter. Criteria: Invitae Variant Classification Sherloc (09022015). Collection method: clinical testing. Allele origin: germline.
Comment: This sequence change replaces valine, which is neutral and non-polar, with isoleucine, which is neutral and non-polar, at codon 1216 of the LYST protein (p.Val1216Ile). This variant is present in population databases (no rsID available, gnomAD 0.002%). This variant has not been reported in the literature in individuals affected with LYST-related conditions. ClinVar contains an entry for this variant (Variation ID: 1008143). Algorithms developed to predict the effect of missense changes on protein structure and function output the following: SIFT: "Tolerated"; PolyPhen-2: "Benign"; Align-GVGD: "Class C0". The isoleucine amino acid residue is found in multiple mammalian species, which suggests that this missense change does not adversely affect protein function. In summary, the available evidence is currently insufficient to determine the role of this variant in disease. Therefore, it has been classified as a Variant of Uncertain Significance.